The following is an entry in ClinVar:

NM_007129.5(ZIC2):c.692ACC[5] (p.His236_His239del)

Gene: ZIC2 (Zic family zinc finger 2; plus strand). Cytogenetic location: 13q32.3.
Variant type: Microsatellite.
Coding change: c.692ACC[5] on transcript NM_007129.5 (MANE Select); five copies in a row of the 3-base unit ACC starting at c.692; the reference has nine copies in a row; four copies, 12 bases deleted.
Protein change: p.His236_His239del.
Molecular consequence: inframe deletion.
Genome position (GRCh38, 1-based): chr13:99,982,771-99,982,782, ACCACCACCACC deleted; deleting any 12 consecutive bases within chr13:99,982,754-99,982,782 gives the same sequence; the position shown is the placement nearest the transcript's 3' end. VCF-style (leftmost placement, unchanged base first): chr13-99982753-CCCACCACCACCA-C. GRCh37 (hg19) VCF-style: chr13-100635007-CCCACCACCACCA-C.
Identifiers: ClinVar variation 1374904 (VCV001374904.9), dbSNP rs398124241, ClinGen allele CA7032844.

ClinVar aggregate classification (germline): Uncertain significance. Review status: criteria provided, multiple submitters, no conflicts (2 of 4 stars). 2 submissions from 2 submitters: Uncertain significance (2). Last evaluated 2025-10-13.

Conditions:
Holoprosencephaly 5 (HPE5). Identifiers: Orphanet 2162, MedGen C1864827, MONDO:0012322, OMIM 609637.

Submissions (2):

Labcorp Genetics (formerly Invitae), Labcorp
Classification: Uncertain significance for Holoprosencephaly 5. Last evaluated: 2025-10-13. Review status: criteria provided, single submitter. Criteria: Invitae Variant Classification Sherloc (09022015). Collection method: clinical testing. Allele origin: germline.
Comment: This variant, c.707_718del, results in the deletion of 4 amino acid(s) of the ZIC2 protein (p.His236_His239del), but otherwise preserves the integrity of the reading frame. The frequency data for this variant in the population databases is considered unreliable, as metrics indicate poor data quality at this position in the gnomAD database. This variant has not been reported in the literature in individuals affected with ZIC2-related conditions. Experimental studies and prediction algorithms are not available or were not evaluated, and the functional significance of this variant is currently unknown. In summary, the available evidence is currently insufficient to determine the role of this variant in disease. Therefore, it has been classified as a Variant of Uncertain Significance.

Breakthrough Genomics
Classification: Uncertain significance. Review status: criteria provided, single submitter. Criteria: ACMG Guidelines, 2015. Collection method: not provided. Allele origin: germline. Inheritance: Autosomal dominant inheritance. Affected: yes.